The following is an entry in ClinVar:

NM_001353694.2(TIAM1):c.1583A>C (p.Gln528Pro)

Gene: TIAM1 (TIAM Rac1 associated GEF 1; minus strand). Cytogenetic location: 21q22.11.
Variant type: single nucleotide variant.
Coding change: c.1583A>C on transcript NM_001353694.2 (MANE Select); coding-DNA position 1583, A replaced by C.
Protein change: p.Gln528Pro; replaces glutamine 528 with proline.
Molecular consequence: missense variant.
Genome position (GRCh38, 1-based): chr21:31,245,489, T>G on the plus strand (A>C on the coding strand, the complement: TIAM1 is on the minus strand). VCF-style: chr21-31245489-T-G. GRCh37 (hg19) VCF-style: chr21-32617805-T-G.
Other names: c.1583A>C, p.Gln528Pro (NM_001353686.2, NM_001353687.2, NM_001353688.1 and 6 more transcripts); short protein forms Q528P.
Identifiers: ClinVar variation 3369284 (VCV003369284.1).

ClinVar aggregate classification (germline): Uncertain significance (1 of 4 stars; one submission).

Submission:

GeneDx
Classification: Uncertain significance. Last evaluated: 2024-02-14. Review status: criteria provided, single submitter. Criteria: GeneDx Variant Classification Process June 2021. Collection method: clinical testing. Allele origin: germline. Affected: yes.
Comment: Not observed at significant frequency in large population cohorts (gnomAD); In silico analysis supports that this missense variant has a deleterious effect on protein structure/function; In silico analysis supports that this missense variant has a deleterious effect on splicing; Has not been previously published as pathogenic or benign to our knowledge